The following is an entry in ClinVar:

NM_000701.8(ATP1A1):c.783T>G (p.Thr261=)

Gene: ATP1A1 (ATPase Na+/K+ transporting subunit alpha 1; plus strand). Cytogenetic location: 1p13.1.
Variant type: single nucleotide variant.
Coding change: c.783T>G on transcript NM_000701.8 (MANE Select); coding-DNA position 783, T replaced by G.
Protein change: p.Thr261=; no amino-acid change (threonine 261 retained).
Molecular consequence: synonymous variant.
Genome position (GRCh38, 1-based): chr1:116,389,467, T>G. VCF-style: chr1-116389467-T-G. GRCh37 (hg19) VCF-style: chr1-116932089-T-G.
Other names: c.783T>G, p.Thr261= (NM_001160233.2); c.690T>G, p.Thr230= (NM_001160234.2).
Identifiers: ClinVar variation 1610257 (VCV001610257.12), dbSNP rs912110487, ClinGen allele CA30070110.
Genomic context (GRCh38, chr1:116,389,467, plus strand): 5'-TAGGTACAGTTCTCCCTCCCCTTCTTTTTAAGGCACCGCACGTGGTATTGTTGTCTACAC[T>G]GGGGATCGCACTGTGATGGGAAGAATTGCCACACTTGCTTCTGGGCTGGAAGGAGGCCAG-3'
Protein context (NP_000692.2, residues 251-271): EGTARGIVVY[Thr261=]GDRTVMGRIA

ClinVar aggregate classification (germline): Likely benign. Review status: criteria provided, multiple submitters, no conflicts (2 of 4 stars). 2 submissions from 2 submitters: Likely benign (2). Last evaluated 2026-01-01.

Allele frequency attached by ClinVar (database versions not stated): gnomAD exomes 0.00002; gnomAD 0.00002; TOPMed 0.00004.

Submissions (2):

CeGaT Center for Human Genetics Tuebingen
Classification: Likely benign. Last evaluated: 2026-01-01. Review status: criteria provided, single submitter. Criteria: CeGaT Center For Human Genetics Tuebingen Variant Classification Criteria Version 2. Collection method: clinical testing. Allele origin: germline. Affected: yes. Observed: 1 variant allele.
Comment: ATP1A1: BP4, BP7

Labcorp Genetics (formerly Invitae), Labcorp
Classification: Likely benign. Last evaluated: 2025-12-07. Review status: criteria provided, single submitter. Criteria: Invitae Variant Classification Sherloc (09022015). Collection method: clinical testing. Allele origin: germline.